The following is an entry in ClinVar:

NM_001384732.1(CPLANE1):c.8779A>G (p.Met2927Val)

Gene: CPLANE1 (ciliogenesis and planar polarity effector complex subunit 1; minus strand). Cytogenetic location: 5p13.2.
Variant type: single nucleotide variant.
Coding change: c.8779A>G on transcript NM_001384732.1 (MANE Select); coding-DNA position 8779, A replaced by G.
Protein change: p.Met2927Val; replaces methionine 2927 with valine.
Molecular consequence: missense variant.
Genome position (GRCh38, 1-based): chr5:37,138,733, T>C on the plus strand (A>G on the coding strand, the complement: CPLANE1 is on the minus strand). VCF-style: chr5-37138733-T-C. GRCh37 (hg19) VCF-style: chr5-37138835-T-C.
Other names: c.8617A>G, p.Met2873Val (NM_023073.4); short protein forms M2873V, M2927V.
Identifiers: ClinVar variation 197531 (VCV000197531.22), dbSNP rs143626904, ClinGen allele CA202943.

ClinVar aggregate classification (germline): Likely benign. Review status: criteria provided, multiple submitters, no conflicts (2 of 4 stars). 8 submissions from 8 submitters: Likely benign (8). Last evaluated 2026-02-01.

Conditions:
Inborn genetic diseases. Identifiers: MedGen C0950123, MeSH D030342.

Allele frequency attached by ClinVar (database versions not stated): gnomAD exomes 0.00014 and 0.00047; ExAC 0.00058; 1000 Genomes Project 0.00140; 1000 Genomes Project 30x 0.00141; gnomAD 0.00182 and 0.00200; TOPMed 0.00209; ESP Exome Variant Server 0.00284.
gnomAD v4.1: 495 of 1,610,410 alleles (0.031%); highest among the groups gnomAD compares: African/African-American, 0.58%; 3 homozygotes.

Submissions (8):

Labcorp Genetics (formerly Invitae), Labcorp
Classification: Likely benign. Last evaluated: 2026-02-01. Review status: criteria provided, single submitter. Criteria: Invitae Variant Classification Sherloc (09022015). Collection method: clinical testing. Allele origin: germline.

Blueprint Genetics
Classification: Likely benign. Last evaluated: 2024-10-18. Review status: criteria provided, single submitter. Criteria: ACMG Guidelines, 2015. Collection method: clinical testing. Allele origin: germline.

Women's Health and Genetics/Laboratory Corporation of America, LabCorp
Classification: Likely benign. Last evaluated: 2023-11-07. Review status: criteria provided, single submitter. Criteria: LabCorp Variant Classification Summary - May 2015. Collection method: clinical testing. Allele origin: germline.
Comment: Variant summary: CPLANE1 c.8617A>G (p.Met2873Val) results in a conservative amino acid change in the encoded protein sequence. Four of four in-silico tools predict a benign effect of the variant on protein function. The variant allele was found at a frequency of 0.00062 in 279152 control chromosomes, predominantly at a frequency of 0.0063 within the African or African-American subpopulation in the gnomAD database, including 2 homozygotes. The observed variant frequency within African or African-American control individuals in the gnomAD database is approximately 4 fold of the estimated maximal expected allele frequency for a pathogenic variant in CPLANE1 causing Joubert Syndrome And Related Disorders phenotype (0.0015), strongly suggesting that the variant is a benign polymorphism found primarily in populations of African or African-American origin. To our knowledge, no occurrence of c.8617A>G in individuals affected with Joubert Syndrome And Related Disorders and no experimental evidence demonstrating its impact on protein function have been reported. Two submitters have cited clinical-significance assessments for this variant to ClinVar after 2014. All submitters classified the variant as likely benign. Based on the evidence outlined above, the variant was classified as likely benign.

Ambry Genetics
Classification: Likely benign for Inborn genetic diseases. Last evaluated: 2021-05-25. Review status: criteria provided, single submitter. Criteria: Ambry Variant Classification Scheme 2023. Collection method: clinical testing. Allele origin: germline.

GeneDx
Classification: Likely benign. Last evaluated: 2021-03-02. Review status: criteria provided, single submitter. Criteria: GeneDx Variant Classification Process June 2021. Collection method: clinical testing. Allele origin: germline. Affected: yes.

Eurofins Ntd Llc (ga)
Classification: Likely benign. Last evaluated: 2014-09-15. Review status: criteria provided, single submitter. Criteria: EGL Classification Definitions 2015. Collection method: clinical testing. Allele origin: germline. Observed: 1 variant allele, 1 heterozygote.

Breakthrough Genomics
Classification: Likely benign. Review status: criteria provided, single submitter. Criteria: ACMG Guidelines, 2015. Collection method: not provided. Allele origin: germline. Inheritance: Autosomal recessive inheritance. Affected: yes.

PreventionGenetics, part of Exact Sciences
Classification: Likely benign. Review status: criteria provided, single submitter. Criteria: ACMG Guidelines, 2015. Collection method: clinical testing. Allele origin: germline.